The following is an entry in ClinVar:

ClinVar aggregate classification (germline): Pathogenic (1 of 4 stars; one submission).

Conditions:
Renal cysts and diabetes syndrome (RCAD). Also called: MATURITY-ONSET DIABETES OF THE YOUNG, TYPE 5; Familial hypoplastic, glomerulocystic kidney. Identifiers: Orphanet 93111, MedGen C0431693, MONDO:0007669, OMIM 137920.

Submission:

MVZ Medizinische Genetik Mainz
Classification: Pathogenic for Renal cysts and diabetes syndrome. Last evaluated: 2025-11-27. Review status: criteria provided, single submitter. Criteria: UK Practice Guidelines For Variant Classification V4 01 2020. Collection method: clinical testing. Allele origin: germline. Inheritance: Autosomal dominant inheritance. Affected: yes. Observed: 1 variant allele.
Comment: ACMG Criteria: PVS1,PM2_SUP,PP4

NM_000458.4(HNF1B):c.626_630del (p.Phe209fs)

Genes: HNF1B (HNF1 homeobox B; minus strand), LOC126862549 (BRD4-independent group 4 enhancer GRCh37_chr17:36093401-36094600; plus strand). Cytogenetic location: 17q12.
Variant type: Deletion.
Coding change: c.626_630del on transcript NM_000458.4 (MANE Select); coding-DNA positions 626 to 630, 5 bases deleted (TCAGT; older notation c.626_630delTCAGT).
Protein change: p.Phe209fs; shifts the reading frame from phenylalanine 209.
Molecular consequence: frameshift variant.
Genome position (GRCh38, 1-based): chr17:37,733,736-37,733,740, ACTGA deleted on the plus strand (TCAGT on the coding strand, the reverse complement: HNF1B is on the minus strand); deleting any 5 consecutive bases within chr17:37,733,736-37,733,743 gives the same sequence; the c. name uses the placement nearest the transcript's 3' end. VCF-style (leftmost placement, unchanged base first): chr17-37733735-GACTGA-G. GRCh37 (hg19) VCF-style: chr17-36093728-GACTGA-G.
Other names: c.545_549delAGTTC, p.Phe183fs (NM_001165923.4, NM_001304286.2); c.626_630del, p.Phe209fs (NM_001411100.1); short protein forms F183fs, F209fs.
Identifiers: ClinVar variation 5038142 (VCV005038142.1).
Genomic context (GRCh38, chr17:37,733,735, plus strand): 5'-TCTTCTTGTTGGTGGGCTCAGAGCAGGCATCATCGGACTGCCCAGGCCCATGGCTCTGTT[GACTGA>G]ACTCTGGAAAGAGAAACAGCAGCTGATCCTGACTGCTTTTGTCTGTCATATTTCCAGAAC-3'